The following is an entry in ClinVar:

NM_004329.3(BMPR1A):c.1069G>C (p.Ala357Pro)

Gene: BMPR1A (bone morphogenetic protein receptor type 1A; plus strand). Cytogenetic location: 10q23.2.
Variant type: single nucleotide variant.
Coding change: c.1069G>C on transcript NM_004329.3 (MANE Select); coding-DNA position 1069, G replaced by C.
Protein change: p.Ala357Pro; replaces alanine 357 with proline.
Molecular consequence: missense variant.
Genome position (GRCh38, 1-based): chr10:86,919,372, G>C. VCF-style: chr10-86919372-G-C. GRCh37 (hg19) VCF-style: chr10-88679129-G-C.
Other names: short protein forms A357P.
Identifiers: ClinVar variation 1345660 (VCV001345660.9), dbSNP rs201509164, ClinGen allele CA377460761.

ClinVar aggregate classification (germline): Uncertain significance. Review status: criteria provided, multiple submitters, no conflicts (2 of 4 stars). 2 submissions from 2 submitters: Uncertain significance (2). Last evaluated 2024-01-23.

Conditions:
Polyposis syndrome, hereditary mixed, 2. Identifiers: Orphanet 157794, MedGen C1864730, MONDO:0012405, OMIM 610069.
Juvenile polyposis syndrome (JPS). Identifiers: Orphanet 2929, MedGen C0345893, MONDO:0017380, OMIM 174900.

Submissions (2):

Fulgent Genetics
Classification: Uncertain significance for Juvenile polyposis syndrome; Polyposis syndrome, hereditary mixed, 2. Last evaluated: 2024-01-23. Review status: criteria provided, single submitter. Criteria: ACMG Guidelines, 2015. Collection method: clinical testing. Allele origin: germline.

Labcorp Genetics (formerly Invitae), Labcorp
Classification: Uncertain significance for Juvenile polyposis syndrome. Last evaluated: 2021-03-02. Review status: criteria provided, single submitter. Criteria: Invitae Variant Classification Sherloc (09022015). Collection method: clinical testing. Allele origin: germline.
Comment: This sequence change replaces alanine with proline at codon 357 of the BMPR1A protein (p.Ala357Pro). The alanine residue is highly conserved and there is a small physicochemical difference between alanine and proline. This variant is not present in population databases (ExAC no frequency). This variant has not been reported in the literature in individuals with BMPR1A-related conditions. Advanced modeling of protein sequence and biophysical properties (such as structural, functional, and spatial information, amino acid conservation, physicochemical variation, residue mobility, and thermodynamic stability) performed at Invitae indicates that this missense variant is expected to disrupt BMPR1A protein function. In summary, the available evidence is currently insufficient to determine the role of this variant in disease. Therefore, it has been classified as a Variant of Uncertain Significance.